The following is an entry in ClinVar:

ClinVar aggregate classification (germline): Uncertain significance (1 of 4 stars; one submission).

Conditions:
Familial cancer of breast. Also called: BREAST CANCER, FAMILIAL; Hereditary breast cancer; hereditary breast carcinoma. Identifiers: Orphanet 227535, MedGen C0346153, MONDO:0016419, OMIM 114480. Disease mechanism: loss of function.
Fanconi anemia complementation group J. Also called: BRIP1-Related Fanconi Anemia. Identifiers: Orphanet 84, MedGen C1836860, MONDO:0012187, OMIM 609054.

Submission:

Labcorp Genetics (formerly Invitae), Labcorp
Classification: Uncertain significance for Familial cancer of breast; Fanconi anemia complementation group J. Last evaluated: 2022-09-23. Review status: criteria provided, single submitter. Criteria: Invitae Variant Classification Sherloc (09022015). Collection method: clinical testing. Allele origin: germline.
Comment: In summary, the available evidence is currently insufficient to determine the role of this variant in disease. Therefore, it has been classified as a Variant of Uncertain Significance. This sequence change replaces glutamine, which is neutral and polar, with glutamic acid, which is acidic and polar, at codon 40 of the BRIP1 protein (p.Gln40Glu). This variant is not present in population databases (gnomAD no frequency). This variant has not been reported in the literature in individuals affected with BRIP1-related conditions. Advanced modeling of protein sequence and biophysical properties (such as structural, functional, and spatial information, amino acid conservation, physicochemical variation, residue mobility, and thermodynamic stability) has been performed at Invitae for this missense variant, however the output from this modeling did not meet the statistical confidence thresholds required to predict the impact of this variant on BRIP1 protein function.

NM_032043.3(BRIP1):c.118C>G (p.Gln40Glu)

Gene: BRIP1 (BRCA1 interacting DNA helicase 1; minus strand). Cytogenetic location: 17q23.2.
Variant type: single nucleotide variant.
Coding change: c.118C>G on transcript NM_032043.3 (MANE Select); coding-DNA position 118, C replaced by G.
Protein change: p.Gln40Glu; replaces glutamine 40 with glutamic acid.
Molecular consequence: missense variant.
Genome position (GRCh38, 1-based): chr17:61,859,883, G>C on the plus strand (C>G on the coding strand, the complement: BRIP1 is on the minus strand). VCF-style: chr17-61859883-G-C. GRCh37 (hg19) VCF-style: chr17-59937244-G-C.
Other names: short protein forms Q40E.
Identifiers: ClinVar variation 1720181 (VCV001720181.5), dbSNP rs2145852357, ClinGen allele CA400485833.